The following is an entry in ClinVar:

NM_006302.3(MOGS):c.41A>T (p.Glu14Val)

Gene: MOGS (mannosyl-oligosaccharide glucosidase; minus strand). Cytogenetic location: 2p13.1.
Variant type: single nucleotide variant.
Coding change: c.41A>T on transcript NM_006302.3 (MANE Select); coding-DNA position 41, A replaced by T.
Protein change: p.Glu14Val; replaces glutamic acid 14 with valine.
Molecular consequence: missense variant. On other transcripts: intron variant (1).
Genome position (GRCh38, 1-based): chr2:74,465,207, T>A on the plus strand (A>T on the coding strand, the complement: MOGS is on the minus strand). VCF-style: chr2-74465207-T-A. GRCh37 (hg19) VCF-style: chr2-74692334-T-A.
Other names: c.-59+107A>T (NM_001146158.2); c.41A>T (NM_006302.2); short protein forms E14V.
Identifiers: ClinVar variation 1979664 (VCV001979664.3), dbSNP rs781033099, ClinGen allele CA1725126.

ClinVar aggregate classification (germline): Uncertain significance. Review status: criteria provided, multiple submitters, no conflicts (2 of 4 stars). 2 submissions from 2 submitters: Uncertain significance (2). Last evaluated 2023-01-18.

Conditions:
Inborn genetic diseases. Identifiers: MedGen C0950123, MeSH D030342.
MOGS-congenital disorder of glycosylation. Also called: CDG IIb; GLUCOSIDASE I DEFICIENCY; CDG 2B; MOGS-CDG. Identifiers: Orphanet 79330, MedGen C1853736, MONDO:0011629, OMIM 606056.

Allele frequency attached by ClinVar (database versions not stated): gnomAD 0.00001; TOPMed 0.00001; gnomAD exomes 0.00002; ExAC 0.00011.

Submissions (2):

Ambry Genetics
Classification: Uncertain significance for Inborn genetic diseases. Last evaluated: 2023-01-18. Review status: criteria provided, single submitter. Criteria: Ambry Variant Classification Scheme 2023. Collection method: clinical testing. Allele origin: germline.

Labcorp Genetics (formerly Invitae), Labcorp
Classification: Uncertain significance for MOGS-congenital disorder of glycosylation. Last evaluated: 2022-08-08. Review status: criteria provided, single submitter. Criteria: Invitae Variant Classification Sherloc (09022015). Collection method: clinical testing. Allele origin: germline.
Comment: This sequence change replaces glutamic acid, which is acidic and polar, with valine, which is neutral and non-polar, at codon 14 of the MOGS protein (p.Glu14Val). The frequency data for this variant in the population databases is considered unreliable, as metrics indicate poor data quality at this position in the gnomAD database. This variant has not been reported in the literature in individuals affected with MOGS-related conditions. Algorithms developed to predict the effect of missense changes on protein structure and function (SIFT, PolyPhen-2, Align-GVGD) all suggest that this variant is likely to be tolerated. In summary, the available evidence is currently insufficient to determine the role of this variant in disease. Therefore, it has been classified as a Variant of Uncertain Significance.